The following is an entry in ClinVar:

NM_001348323.3(TRIP12):c.708T>C (p.Thr236=)

Gene: TRIP12 (thyroid hormone receptor interactor 12; minus strand). Cytogenetic location: 2q36.3.
Variant type: single nucleotide variant.
Coding change: c.708T>C on transcript NM_001348323.3 (MANE Select); coding-DNA position 708, T replaced by C.
Protein change: p.Thr236=; no amino-acid change (threonine 236 retained).
Molecular consequence: synonymous variant. On other transcripts: intron variant (1).
Genome position (GRCh38, 1-based): chr2:229,859,091, A>G on the plus strand (T>C on the coding strand, the complement: TRIP12 is on the minus strand). VCF-style: chr2-229859091-A-G. GRCh37 (hg19) VCF-style: chr2-230723807-A-G.
Other names: c.708T>C, p.Thr236= (NM_001284214.2, NM_001348315.2, NM_001348319.1 and 15 more transcripts); c.582T>C, p.Thr194= (NM_001284215.2, NM_001348316.2, NM_001348317.1 and 3 more transcripts); c.98+20891T>C (NM_001284216.2).
Identifiers: ClinVar variation 4872312 (VCV004872312.2).

ClinVar aggregate classification (germline): Likely benign (1 of 4 stars; one submission).

Submission:

CeGaT Center for Human Genetics Tuebingen
Classification: Likely benign. Last evaluated: 2026-05-01. Review status: criteria provided, single submitter. Criteria: CeGaT Center For Human Genetics Tuebingen Variant Classification Criteria Version 2. Collection method: clinical testing. Allele origin: germline. Affected: yes. Observed: 1 variant allele.
Comment: TRIP12: BP4, BP7